The following is an entry in ClinVar:

ClinVar aggregate classification (germline): Likely pathogenic (1 of 4 stars; one submission).

Conditions:
Hereditary insensitivity to pain with anhidrosis (CIPA). Also called: FAMILIAL DYSAUTONOMIA, TYPE II; hereditary sensory and autonomic neuropathy type 4; NEUROPATHY, CONGENITAL SENSORY, WITH ANHIDROSIS; NTRK1 Congenital Insensitivity to Pain with Anhidrosis; INSENSITIVITY TO PAIN, CONGENITAL, WITH ANHIDROSIS; HSAN Type IV. Identifiers: Orphanet 642, MedGen C0020074, MONDO:0009746, OMIM 256800.

Allele frequency attached by ClinVar (database versions not stated): gnomAD exomes below 0.00001.
gnomAD v4.1: 1 of 1,566,384 alleles (0.000064%); highest among the groups gnomAD compares: East Asian, 0.0023%; no homozygotes.

Submission:

Labcorp Genetics (formerly Invitae), Labcorp
Classification: Likely pathogenic for Hereditary insensitivity to pain with anhidrosis. Last evaluated: 2022-12-08. Review status: criteria provided, single submitter. Criteria: Invitae Variant Classification Sherloc (09022015). Collection method: clinical testing. Allele origin: germline.
Comment: This variant is not present in population databases (gnomAD no frequency). In summary, the currently available evidence indicates that the variant is pathogenic, but additional data are needed to prove that conclusively. Therefore, this variant has been classified as Likely Pathogenic. Algorithms developed to predict the effect of sequence changes on RNA splicing suggest that this variant may disrupt the consensus splice site. Disruption of this splice site has been observed in individual(s) with clinical features of NTRK1-related conditions (PMID: 32369273). This sequence change affects a donor splice site in intron 1 of the NTRK1 gene. It is expected to disrupt RNA splicing. Variants that disrupt the donor or acceptor splice site typically lead to a loss of protein function (PMID: 16199547), and loss-of-function variants in NTRK1 are known to be pathogenic (PMID: 10982191).

Literature cited by the submitters: PubMed 32369273; PubMed 16199547; PubMed 10982191.

NM_002529.4(NTRK1):c.212+2T>G

Gene: NTRK1 (neurotrophic receptor tyrosine kinase 1; plus strand). Cytogenetic location: 1q23.1.
Variant type: single nucleotide variant.
Coding change: c.212+2T>G on transcript NM_002529.4 (MANE Select); the canonical splice donor site of the intron after coding-DNA position 212, T replaced by G.
Molecular consequence: splice donor variant. On other transcripts: intron variant (1).
Genome position (GRCh38, 1-based): chr1:156,861,148, T>G. VCF-style: chr1-156861148-T-G. GRCh37 (hg19) VCF-style: chr1-156830940-T-G.
Other names: c.123-3206T>G (NM_001007792.1); c.212+2T>G (NM_001012331.2).
Identifiers: ClinVar variation 2981215 (VCV002981215.3), dbSNP rs2525559133, ClinGen allele CA342930244.